The following is an entry in ClinVar:

ClinVar aggregate classification (germline): Uncertain significance. Review status: criteria provided, multiple submitters, no conflicts (2 of 4 stars). 3 submissions from 3 submitters: Uncertain significance (3). Last evaluated 2023-09-01.

Conditions:
Hereditary cancer-predisposing syndrome. Also called: Hereditary neoplastic syndrome; Neoplastic Syndromes, Hereditary; Tumor predisposition; Hereditary Cancer Syndrome. Identifiers: Orphanet 140162, MedGen C0027672, MeSH D009386, MONDO:0015356.

Allele frequency attached by ClinVar (database versions not stated): TOPMed below 0.00001.

Submissions (3):

Color Diagnostics, LLC DBA Color Health
Classification: Uncertain significance for Hereditary cancer-predisposing syndrome. Last evaluated: 2023-09-01. Review status: criteria provided, single submitter. Criteria: ACMG Guidelines, 2015. Collection method: clinical testing. Allele origin: germline.
Comment: This missense variant replaces threonine with isoleucine at codon 2682 of the ATM protein. Computational prediction is inconclusive regarding the impact of this variant on protein structure and function (internally defined REVEL score threshold 0.5 < inconclusive < 0.7, PMID: 27666373). To our knowledge, functional studies have not been reported for this variant. This variant has not been reported in individuals affected with ATM-related disorders in the literature. This variant has not been identified in the general population by the Genome Aggregation Database (gnomAD). The available evidence is insufficient to determine the role of this variant in disease conclusively. Therefore, this variant is classified as a Variant of Uncertain Significance.

GeneDx
Classification: Uncertain significance. Last evaluated: 2022-06-08. Review status: criteria provided, single submitter. Criteria: GeneDx Variant Classification Process June 2021. Collection method: clinical testing. Allele origin: germline. Affected: yes.
Comment: Not observed at significant frequency in large population cohorts (gnomAD); In silico analysis supports that this missense variant has a deleterious effect on protein structure/function; Has not been previously published as pathogenic or benign to our knowledge

Ambry Genetics
Classification: Uncertain significance for Hereditary cancer-predisposing syndrome. Last evaluated: 2021-02-12. Review status: criteria provided, single submitter. Criteria: Ambry Variant Classification Scheme 2023. Collection method: clinical testing. Allele origin: germline.
Comment: The p.T2682I variant (also known as c.8045C>T), located in coding exon 54 of the ATM gene, results from a C to T substitution at nucleotide position 8045. The threonine at codon 2682 is replaced by isoleucine, an amino acid with similar properties. This amino acid position is highly conserved in available vertebrate species. In addition, this alteration is predicted to be deleterious by in silico analysis. Since supporting evidence is limited at this time, the clinical significance of this alteration remains unclear.

NM_000051.4(ATM):c.8045C>T (p.Thr2682Ile)

Genes: C11orf65 (chromosome 11 open reading frame 65; minus strand), ATM (ATM serine/threonine kinase; plus strand). Cytogenetic location: 11q22.3.
Variant type: single nucleotide variant.
Coding change: c.8045C>T on transcript NM_000051.4 (MANE Select); coding-DNA position 8045, C replaced by T.
Protein change: p.Thr2682Ile; replaces threonine 2682 with isoleucine.
Molecular consequence: missense variant. On other transcripts: intron variant (2).
Genome position (GRCh38, 1-based): chr11:108,335,003, C>T. VCF-style: chr11-108335003-C-T. GRCh37 (hg19) VCF-style: chr11-108205730-C-T.
Other names: c.8045C>T, p.Thr2682Ile (NM_001351834.2); c.641-25932G>A (NM_001330368.2); c.*38+217G>A (NM_001351110.2); short protein forms T2682I.
Identifiers: ClinVar variation 1761772 (VCV001761772.4), dbSNP rs1175177178, ClinGen allele CA382561907.